The following is an entry in ClinVar:

NM_032444.4(SLX4):c.3668C>T (p.Pro1223Leu)

Gene: SLX4 (SLX4 structure-specific endonuclease subunit; minus strand). Cytogenetic location: 16p13.3.
Variant type: single nucleotide variant.
Coding change: c.3668C>T on transcript NM_032444.4 (MANE Select); coding-DNA position 3668, C replaced by T.
Protein change: p.Pro1223Leu; replaces proline 1223 with leucine.
Molecular consequence: missense variant.
Genome position (GRCh38, 1-based): chr16:3,589,970, G>A on the plus strand (C>T on the coding strand, the complement: SLX4 is on the minus strand). VCF-style: chr16-3589970-G-A. GRCh37 (hg19) VCF-style: chr16-3639971-G-A.
Other names: c.3668C>T (NM_032444.2); short protein forms P1223L.
Identifiers: ClinVar variation 1039911 (VCV001039911.9), dbSNP rs376133540, ClinGen allele CA7865874.

ClinVar aggregate classification (germline): Conflicting classifications of pathogenicity. Review status: criteria provided, conflicting classifications (1 of 4 stars). 3 submissions from 3 submitters: Uncertain significance (2); Likely benign (1). Last evaluated 2024-03-27.

Conditions:
Fanconi anemia complementation group P. Also called: SLX4-Related Fanconi Anemia. Identifiers: Orphanet 84, MedGen C3469542, MONDO:0013499, OMIM 613951.
Fanconi anemia (FA). Also called: Fanconi's anemia. Identifiers: Orphanet 84, MedGen C0015625, MeSH D005199, MONDO:0019391.
Inborn genetic diseases. Identifiers: MedGen C0950123, MeSH D030342.

Allele frequency attached by ClinVar (database versions not stated): gnomAD 0.00004; ESP Exome Variant Server 0.00008; TOPMed 0.00009.
gnomAD v4.1: 28 of 1,613,712 alleles (0.0017%); highest among the groups gnomAD compares: Middle Eastern, 0.033%; no homozygotes.

Submissions (3):

Fulgent Genetics
Classification: Uncertain significance for Fanconi anemia complementation group P. Last evaluated: 2024-03-27. Review status: criteria provided, single submitter. Criteria: ACMG Guidelines, 2015. Collection method: clinical testing. Allele origin: germline.

Labcorp Genetics (formerly Invitae), Labcorp
Classification: Uncertain significance for Fanconi anemia. Last evaluated: 2024-01-25. Review status: criteria provided, single submitter. Criteria: Invitae Variant Classification Sherloc (09022015). Collection method: clinical testing. Allele origin: germline.
Comment: This sequence change replaces proline, which is neutral and non-polar, with leucine, which is neutral and non-polar, at codon 1223 of the SLX4 protein (p.Pro1223Leu). This variant is present in population databases (rs376133540, gnomAD 0.05%). This variant has not been reported in the literature in individuals affected with SLX4-related conditions. ClinVar contains an entry for this variant (Variation ID: 1039911). Algorithms developed to predict the effect of missense changes on protein structure and function output the following: SIFT: "Not Available"; PolyPhen-2: "Benign"; Align-GVGD: "Not Available". The leucine amino acid residue is found in multiple mammalian species, which suggests that this missense change does not adversely affect protein function. In summary, the available evidence is currently insufficient to determine the role of this variant in disease. Therefore, it has been classified as a Variant of Uncertain Significance.

Ambry Genetics
Classification: Likely benign for Inborn genetic diseases. Last evaluated: 2021-07-06. Review status: criteria provided, single submitter. Criteria: Ambry Variant Classification Scheme 2023. Collection method: clinical testing. Allele origin: germline.